The following is an entry in ClinVar:

ClinVar aggregate classification (germline): Pathogenic. Review status: criteria provided, multiple submitters, no conflicts (2 of 4 stars). 3 submissions from 3 submitters: Pathogenic (3). Last evaluated 2025-03-10.

Conditions:
CHARGE syndrome (CHARGE). Also called: Hittner Hirsch Kreh syndrome; Coloboma, heart anomaly, choanal atresia, retardation, genital and ear anomalies; CHARGE association; Hall-Hittner syndrome; CHARGE ASSOCIATION--COLOBOMA, HEART ANOMALY, CHOANAL ATRESIA, RETARDATION, GENITAL AND EAR ANOMALIES. Identifiers: Orphanet 138, MedGen C0265354, MONDO:0008965.

Submissions (3):

Dasa
Classification: Pathogenic. Last evaluated: 2025-03-10. Review status: criteria provided, single submitter. Criteria: DASA Assertion Criteria. Collection method: clinical testing. Allele origin: germline.
Comment: NM_017780.4(CHD7):c.7276del (p.Gln2426Serfs*17) introduces a premature termination codon predicted to result in loss of normal protein function. Loss-of-function is an established mechanism of disease for this gene. This variant has been reported in individuals with related phenotype. The variant is present at low frequency in population datasets. Based on the available data, this variant is classified as pathogenic.

Broad Center for Mendelian Genomics, Broad Institute of MIT and Harvard
Classification: Pathogenic for CHARGE syndrome. Last evaluated: 2023-05-02. Review status: criteria provided, single submitter. Criteria: ACMG Guidelines, 2015. Collection method: curation. Allele origin: germline. Inheritance: Autosomal dominant inheritance.
Comment: Trio genome analysis showed this variant to be de novo. The p.Gln2426SerfsTer17 variant in CHD7 has not been previously reported in individuals with CHARGE syndrome. This variant has also been reported in ClinVar (Variation ID: 930111) and has been interpreted as pathogenic by Laboratory for Molecular Medicine, Mass General Brigham Personalized Medicine. This variant was absent from large population studies. This variant is predicted to cause a frameshift, which alters the protein‚Äôs amino acid sequence beginning at position 2426 and leads to a premature termination codon 17 amino acids downstream. This alteration is then predicted to lead to a truncated or absent protein. Heterozygous loss of function of the CHD7 gene is an established disease mechanism in CHARGE syndrome. In summary, this variant meets criteria to be classified as pathogenic for CHARGE syndrome. ACMG/AMP Criteria applied: PVS1, PS2_Moderate, PM2_Supporting (Richards 2015).

Laboratory for Molecular Medicine, Mass General Brigham Personalized Medicine
Classification: Pathogenic for CHD7-related CHARGE syndrome. Last evaluated: 2019-06-05. Review status: criteria provided, single submitter. Criteria: LMM Criteria. Collection method: clinical testing. Allele origin: germline. Inheritance: Autosomal dominant inheritance. Observed: 1 variant allele.
Comment: The p.Gln2426SerfsX17 variant in CHD7 has not been previously reported in individuals with CHARGE syndrome and is absent from large population studies. However, this variant was confirmed to be de novo in an individual with moderate developmental delays, bilateral sensorineural hearing loss, retinal coloboma, scoliosis, and vesicoureteral reflux by the Broad Institute Rare Genomes Project. This variant is predicted to cause a frameshift, which alters the proteinâ€™s amino acid sequence beginning at position 2426 and is predicted to lead to a truncated or absent protein. Heterozygous loss of function of the CHD7 gene is an established disease mechanism in individuals with CHARGE syndrome. In summary, this variant meets criteria to be classified as pathogenic for CHARGE syndrome in an autosomal dominant manner based upon de novo occurrence, its absence from the general population, and its predicted impact on the protein. ACMG/AMP Criteria applied: PVS1, PS2, PM2.

NM_017780.4(CHD7):c.7276del (p.Gln2426fs)

Gene: CHD7 (chromodomain helicase DNA binding protein 7; plus strand). Cytogenetic location: 8q12.2.
Variant type: Deletion.
Coding change: c.7276del on transcript NM_017780.4 (MANE Select); coding-DNA position 7276, one base deleted (C; older notation c.7276delC).
Protein change: p.Gln2426fs; shifts the reading frame from glutamine 2426.
Molecular consequence: frameshift variant. On other transcripts: intron variant (1).
Genome position (GRCh38, 1-based): chr8:60,856,556, C deleted; the last of 3 consecutive C bases (chr8:60,856,554-60,856,556); deleting any one gives the same sequence. VCF-style (leftmost placement, unchanged base first): chr8-60856553-GC-G. GRCh37 (hg19) VCF-style: chr8-61769112-GC-G.
Other names: NM_017780.4(CHD7):c.7276del; p.Gln2426fs; c.1717-5673del (NM_001316690.1); short protein forms Q2426fs.
Identifiers: ClinVar variation 930111 (VCV000930111.7), dbSNP rs1805723571, ClinGen allele CA1139660564.